The following is an entry in ClinVar:

NM_022124.6(CDH23):c.8920_8921delinsTT (p.Glu2974Leu)

Gene: CDH23 (cadherin related 23; plus strand). Cytogenetic location: 10q22.1.
Variant type: Indel.
Coding change: c.8920_8921delinsTT on transcript NM_022124.6 (MANE Select); coding-DNA positions 8920 to 8921, GA replaced by TT.
Protein change: p.Glu2974Leu; replaces glutamic acid 2974 with leucine.
Molecular consequence: missense variant.
Genome position (GRCh38, 1-based): chr10:71,810,017-71,810,018, GA replaced by TT. VCF-style: chr10-71810017-GA-TT. GRCh37 (hg19) VCF-style: chr10-73569774-GA-TT.
Other names: c.2200_2201delinsTT, p.Glu734Leu (NM_001171933.1, NM_001171934.1); short protein forms E2974L, E734L.
Identifiers: ClinVar variation 2150637 (VCV002150637.1), dbSNP rs2494445047, ClinGen allele CA2580081894.
Genomic context (GRCh38, chr10:71,810,017, plus strand): 5'-GACCAGCGCGTCAAGATCGTCATTAACGAGATCCCCGACCGTGTGCGCGGCTTCGAGGAG[GA>TT]GTTCATCCACCTGCTCTCCAACATCACTGGGGCCATTGTCAATACTGACAATGTGCAGGT-3'
Protein context (NP_071407.4, residues 2964-2984): IPDRVRGFEE[Glu2974Leu]FIHLLSNITG

ClinVar aggregate classification (germline): Uncertain significance (1 of 4 stars; one submission).

Submission:

Labcorp Genetics (formerly Invitae), Labcorp
Classification: Uncertain significance. Last evaluated: 2021-03-03. Review status: criteria provided, single submitter. Criteria: Invitae Variant Classification Sherloc (09022015). Collection method: clinical testing. Allele origin: germline.
Comment: This sequence change replaces glutamic acid with leucine at codon 2974 of the CDH23 protein (p.Glu2974Leu). The glutamic acid residue is highly conserved and there is a moderate physicochemical difference between glutamic acid and leucine. The frequency data for this variant in the population databases is not available, as this variant may be reported as separate entries in the ExAC database. This variant has not been reported in the literature in individuals with CDH23-related conditions. In summary, the available evidence is currently insufficient to determine the role of this variant in disease. Therefore, it has been classified as a Variant of Uncertain Significance.